The following is an entry in ClinVar:

NM_000038.6(APC):c.2615C>G (p.Thr872Ser)

Gene: APC (APC regulator of Wnt signaling pathway; plus strand). Cytogenetic location: 5q22.2.
Variant type: single nucleotide variant.
Coding change: c.2615C>G on transcript NM_000038.6 (MANE Select); coding-DNA position 2615, C replaced by G.
Protein change: p.Thr872Ser; replaces threonine 872 with serine.
Molecular consequence: missense variant.
Genome position (GRCh38, 1-based): chr5:112,838,209, C>G. VCF-style: chr5-112838209-C-G. GRCh37 (hg19) VCF-style: chr5-112173906-C-G.
Other names: c.2615C>G, p.Thr872Ser (NM_001127510.3, NM_001354895.2); c.2561C>G, p.Thr854Ser (NM_001127511.3); c.2669C>G, p.Thr890Ser (NM_001354896.2); c.2645C>G, p.Thr882Ser (NM_001354897.2); c.2540C>G, p.Thr847Ser (NM_001354898.2); c.2531C>G, p.Thr844Ser (NM_001354899.2); c.2492C>G, p.Thr831Ser (NM_001354900.2); c.2438C>G, p.Thr813Ser (NM_001354901.2); and 5 more; short protein forms T854S, T872S, T712S, T746S, T847S, T890S, T771S, T844S.
Identifiers: ClinVar variation 469761 (VCV000469761.13), dbSNP rs1554084311, ClinGen allele CA16027055.

ClinVar aggregate classification (germline): Uncertain significance. Review status: criteria provided, multiple submitters, no conflicts (2 of 4 stars). 4 submissions from 4 submitters: Uncertain significance (4). Last evaluated 2025-04-18.

Conditions:
Familial adenomatous polyposis 1 (FAP1). Also called: POLYPOSIS, ADENOMATOUS INTESTINAL; FAMILIAL ADENOMATOUS POLYPOSIS 1, ATTENUATED. Identifiers: MedGen C2713442, MONDO:0021056, OMIM 175100. Disease mechanism: loss of function.
Hereditary cancer-predisposing syndrome. Also called: Hereditary neoplastic syndrome; Neoplastic Syndromes, Hereditary; Tumor predisposition; Hereditary Cancer Syndrome. Identifiers: Orphanet 140162, MedGen C0027672, MeSH D009386, MONDO:0015356.

Submissions (4):

Labcorp Genetics (formerly Invitae), Labcorp
Classification: Uncertain significance for Familial adenomatous polyposis 1. Last evaluated: 2025-04-18. Review status: criteria provided, single submitter. Criteria: Invitae Variant Classification Sherloc (09022015). Collection method: clinical testing. Allele origin: germline.
Comment: This sequence change replaces threonine, which is neutral and polar, with serine, which is neutral and polar, at codon 872 of the APC protein (p.Thr872Ser). This variant is not present in population databases (gnomAD no frequency). This variant has not been reported in the literature in individuals affected with APC-related conditions. ClinVar contains an entry for this variant (Variation ID: 469761). Invitae Evidence Modeling of protein sequence and biophysical properties (such as structural, functional, and spatial information, amino acid conservation, physicochemical variation, residue mobility, and thermodynamic stability) indicates that this missense variant is not expected to disrupt APC protein function with a negative predictive value of 95%. In summary, the available evidence is currently insufficient to determine the role of this variant in disease. Therefore, it has been classified as a Variant of Uncertain Significance.

GeneDx
Classification: Uncertain significance. Last evaluated: 2024-11-01. Review status: criteria provided, single submitter. Criteria: GeneDx Variant Classification Process June 2021. Collection method: clinical testing. Allele origin: germline. Affected: yes.
Comment: Not observed at significant frequency in large population cohorts (gnomAD); In silico analysis indicates that this missense variant does not alter protein structure/function; Has not been previously published as pathogenic or benign to our knowledge

Baylor Genetics
Classification: Uncertain significance for Familial adenomatous polyposis 1. Last evaluated: 2024-02-06. Review status: criteria provided, single submitter. Criteria: ACMG Guidelines, 2015. Collection method: clinical testing. Allele origin: unknown.

Ambry Genetics
Classification: Uncertain significance for Hereditary cancer-predisposing syndrome. Last evaluated: 2023-10-02. Review status: criteria provided, single submitter. Criteria: Ambry Variant Classification Scheme 2023. Collection method: clinical testing. Allele origin: germline.
Comment: The p.T872S variant (also known as c.2615C>G), located in coding exon 15 of the APC gene, results from a C to G substitution at nucleotide position 2615. The threonine at codon 872 is replaced by serine, an amino acid with similar properties. This amino acid position is conserved. In addition, in silico predictors for this gene do not accurately predict pathogenicity. Since supporting evidence is limited at this time, the clinical significance of this alteration remains unclear.